The following is an entry in ClinVar:

ClinVar aggregate classification (germline): Uncertain significance (1 of 4 stars; one submission).

Conditions:
Majeed syndrome (MJDS). Also called: LPIN2-Related Majeed Syndrome; CHRONIC RECURRENT MULTIFOCAL OSTEOMYELITIS 1, WITH CONGENITAL DYSERYTHROPOIETIC ANEMIA, WITH OR WITHOUT NEUTROPHILIC DERMATOSIS. Identifiers: Orphanet 77297, MedGen C1864997, MONDO:0012316, OMIM 609628.

Allele frequency attached by ClinVar (database versions not stated): TOPMed 0.00001.
gnomAD v4.1: 10 of 1,613,848 alleles (0.00062%); highest among the groups gnomAD compares: Non-Finnish European, 0.00085%; no homozygotes.

Submission:

Labcorp Genetics (formerly Invitae), Labcorp
Classification: Uncertain significance for Majeed syndrome. Last evaluated: 2022-06-27. Review status: criteria provided, single submitter. Criteria: Invitae Variant Classification Sherloc (09022015). Collection method: clinical testing. Allele origin: germline.
Comment: In summary, the available evidence is currently insufficient to determine the role of this variant in disease. Therefore, it has been classified as a Variant of Uncertain Significance. Algorithms developed to predict the effect of missense changes on protein structure and function are either unavailable or do not agree on the potential impact of this missense change (SIFT: "Deleterious"; PolyPhen-2: "Possibly Damaging"; Align-GVGD: "Class C0"). ClinVar contains an entry for this variant (Variation ID: 655538). This variant has not been reported in the literature in individuals affected with LPIN2-related conditions. This variant is not present in population databases (gnomAD no frequency). This sequence change replaces serine, which is neutral and polar, with tryptophan, which is neutral and slightly polar, at codon 125 of the LPIN2 protein (p.Ser125Trp).

NM_001375808.2(LPIN2):c.374C>G (p.Ser125Trp)

Gene: LPIN2 (lipin 2; minus strand). Cytogenetic location: 18p11.31.
Variant type: single nucleotide variant.
Coding change: c.374C>G on transcript NM_001375808.2 (MANE Select); coding-DNA position 374, C replaced by G.
Protein change: p.Ser125Trp; replaces serine 125 with tryptophan.
Molecular consequence: missense variant.
Genome position (GRCh38, 1-based): chr18:2,951,271, G>C on the plus strand (C>G on the coding strand, the complement: LPIN2 is on the minus strand). VCF-style: chr18-2951271-G-C. GRCh37 (hg19) VCF-style: chr18-2951269-G-C.
Other names: c.374C>G, p.Ser125Trp (NM_001375809.1, NM_014646.2); short protein forms S125W.
Identifiers: ClinVar variation 655538 (VCV000655538.7), dbSNP rs542116963, ClinGen allele CA401709208.